The following is an entry in ClinVar:

NM_001048174.2(MUTYH):c.240_252del (p.Lys80fs)

Gene: MUTYH (mutY DNA glycosylase; minus strand). Cytogenetic location: 1p34.1.
Variant type: Deletion.
Coding change: c.240_252del on transcript NM_001048174.2 (MANE Select); coding-DNA positions 240 to 252, 13 bases deleted (ACGGGACCTACCA).
Protein change: p.Lys80fs; shifts the reading frame from lysine 80.
Molecular consequence: frameshift variant. On other transcripts: 5 prime UTR variant (6), non-coding transcript variant (7).
Genome position (GRCh38, 1-based): chr1:45,333,425-45,333,437, TGGTAGGTCCCGT deleted on the plus strand (ACGGGACCTACCA on the coding strand, the reverse complement: MUTYH is on the minus strand); deleting any 13 consecutive bases within chr1:45,333,425-45,333,438 gives the same sequence; the c. name uses the placement nearest the transcript's 3' end. VCF-style (leftmost placement, unchanged base first): chr1-45333424-ATGGTAGGTCCCGT-A. GRCh37 (hg19) VCF-style: chr1-45799096-ATGGTAGGTCCCGT-A.
Other names: c.240_252del, p.Lys80fs (NM_001293195.2, NM_001407070.1, NM_001407072.1 and 6 more transcripts); c.-37_-25del (NM_001293196.2, NM_001407091.1, NM_001293192.2); c.-32_-20del (NM_001350650.2, NM_001350651.2, NM_001407082.1); c.315_327del, p.Lys105fs (NM_001407069.1, NM_012222.3); c.243_255del, p.Lys81fs (NM_001407071.1, NM_001407078.1, NM_001407079.1 and 2 more transcripts); c.282_294del, p.Lys94fs (NM_001407073.1, NM_001407083.1, NM_001407085.1); c.156_168del, p.Lys52fs (NM_001407075.1); c.273_285del, p.Lys91fs (NM_001407077.1, NM_001293191.2); and 4 more; short protein forms K80fs, K94fs, K108fs, K87fs, K105fs, K52fs, K81fs, K91fs.
Identifiers: ClinVar variation 3914944 (VCV003914944.1).

ClinVar aggregate classification (germline): Pathogenic (1 of 4 stars; one submission).

Conditions:
Hereditary cancer-predisposing syndrome. Also called: Hereditary Cancer Syndrome; Hereditary neoplastic syndrome; Neoplastic Syndromes, Hereditary; Tumor predisposition. Identifiers: Orphanet 140162, MedGen C0027672, MeSH D009386, MONDO:0015356.

Submission:

Ambry Genetics
Classification: Pathogenic for Hereditary cancer-predisposing syndrome. Last evaluated: 2025-04-16. Review status: criteria provided, single submitter. Criteria: Ambry Variant Classification Scheme 2023. Collection method: clinical testing. Allele origin: germline.
Comment: The c.324_336del13 pathogenic mutation, located in coding exon 3 of the MUTYH gene, results from a deletion of 13 nucleotides at nucleotide positions 324 to 336, causing a translational frameshift with a predicted alternate stop codon (p.K108Nfs*34). This variant is considered to be rare based on population cohorts in the Genome Aggregation Database (gnomAD). This alteration is expected to result in loss of function by premature protein truncation or nonsense-mediated mRNA decay. As such, this alteration is interpreted as a disease-causing mutation.